The following is an entry in ClinVar:

ClinVar aggregate classification (germline): Likely benign. Review status: criteria provided, multiple submitters, no conflicts (2 of 4 stars). 3 submissions from 3 submitters: Likely benign (3). Last evaluated 2025-08-29.

Conditions:
Malignant hyperthermia, susceptibility to, 1 (MHS1). Also called: RYR1-Related Malignant Hyperthermia Susceptibility; Anesthesia related hyperthermia; Malignant hyperpyrexia; Fulminating hyperpyrexia; Pharmacogenic myopathy; Malignant hyperthermia suceptibility 1. Identifiers: Orphanet 423, MedGen C2930980, MONDO:0007783, OMIM 145600.
RYR1-related disorder. Also called: RYR1-related disorders; RYR1-related condition. Identifiers: MedGen CN239331.

gnomAD v4.1: 3 of 1,614,152 alleles (0.00019%); highest among the groups gnomAD compares: Non-Finnish European, 0.00025%; no homozygotes.

Submissions (3):

Labcorp Genetics (formerly Invitae), Labcorp
Classification: Likely benign for RYR1-related disorder. Last evaluated: 2025-08-29. Review status: criteria provided, single submitter. Criteria: Invitae Variant Classification Sherloc (09022015). Collection method: clinical testing. Allele origin: germline.

All of Us Research Program, National Institutes of Health
Classification: Likely benign for Malignant hyperthermia, susceptibility to, 1. Last evaluated: 2024-02-05. Review status: criteria provided, single submitter. Criteria: ACMG Guidelines, 2015. Collection method: clinical testing. Allele origin: germline. Inheritance: Autosomal dominant inheritance. Observed: 1 variant allele, 1 heterozygote.
Comment: This study involves interpretation of variants in research participants for the purpose of population health screening. Participant phenotype was not available at the time of variant classification. Additional details can be found in publication PMID: 35346344, PMCID: PMC8962531

Color Diagnostics, LLC DBA Color Health
Classification: Likely benign for Malignant hyperthermia, susceptibility to, 1. Last evaluated: 2024-01-25. Review status: criteria provided, single submitter. Criteria: ACMG Guidelines, 2015. Collection method: clinical testing. Allele origin: germline.

NM_000540.3(RYR1):c.3477T>C (p.Ile1159=)

Gene: RYR1 (ryanodine receptor 1; plus strand). Cytogenetic location: 19q13.2.
Variant type: single nucleotide variant.
Coding change: c.3477T>C on transcript NM_000540.3 (MANE Select); coding-DNA position 3477, T replaced by C.
Protein change: p.Ile1159=; no amino-acid change (isoleucine 1159 retained).
Molecular consequence: synonymous variant.
Genome position (GRCh38, 1-based): chr19:38,469,061, T>C. VCF-style: chr19-38469061-T-C. GRCh37 (hg19) VCF-style: chr19-38959701-T-C.
Other names: c.3477T>C, p.Ile1159= (NM_001042723.2).
Identifiers: ClinVar variation 1159951 (VCV001159951.10), dbSNP rs1345201599, ClinGen allele CA507352802.
Genomic context (GRCh38, chr19:38,469,061, plus strand): 5'-GCGCCCCTGGCAGCCGGGCGATGTCGTTGGCTGTATGATCGACCTCACAGAGAACACCAT[T>C]ATCTTCACCCTCAATGGCGAGGTCCTCATGTCTGACTCAGGCTCCGAAACAGCCTTCCGG-3'
Protein context (NP_000531.2, residues 1149-1169): GCMIDLTENT[Ile1159=]IFTLNGEVLM